The following is an entry in ClinVar:

NM_004360.5(CDH1):c.2486C>A (p.Ser829Tyr)

Gene: CDH1 (cadherin 1; plus strand). Cytogenetic location: 16q22.1.
Variant type: single nucleotide variant.
Coding change: c.2486C>A on transcript NM_004360.5 (MANE Select); coding-DNA position 2486, C replaced by A.
Protein change: p.Ser829Tyr; replaces serine 829 with tyrosine.
Molecular consequence: missense variant.
Genome position (GRCh38, 1-based): chr16:68,833,336, C>A. VCF-style: chr16-68833336-C-A. GRCh37 (hg19) VCF-style: chr16-68867239-C-A.
Other names: c.2486C>A (LRG_301t1); c.2303C>A, p.Ser768Tyr (NM_001317184.2); c.938C>A, p.Ser313Tyr (NM_001317185.2); c.521C>A, p.Ser174Tyr (NM_001317186.2); short protein forms S829Y, S768Y, S174Y, S313Y.
Identifiers: ClinVar variation 219925 (VCV000219925.10), dbSNP rs864622310, ClinGen allele CA349933.

ClinVar aggregate classification (germline): Uncertain significance. Review status: criteria provided, multiple submitters, no conflicts (2 of 4 stars). 2 submissions from 2 submitters: Uncertain significance (2). Last evaluated 2026-07-06.

Conditions:
Hereditary cancer-predisposing syndrome. Also called: Tumor predisposition; Neoplastic Syndromes, Hereditary; Hereditary Cancer Syndrome; Hereditary neoplastic syndrome. Identifiers: Orphanet 140162, MedGen C0027672, MeSH D009386, MONDO:0015356.
Hereditary diffuse gastric adenocarcinoma (HDGC). Also called: DIFFUSE GASTRIC AND LOBULAR BREAST CANCER SYNDROME. Identifiers: Orphanet 26106, MedGen C1708349, MONDO:0007648, OMIM 137215.

Submissions (2):

Ambry Genetics
Classification: Uncertain significance for Hereditary cancer-predisposing syndrome. Last evaluated: 2026-07-06. Review status: criteria provided, single submitter. Criteria: Ambry Variant Classification Scheme 2023. Collection method: clinical testing. Allele origin: germline.
Comment: The p.S829Y variant (also known as c.2486C>A), located in coding exon 16 of the CDH1 gene, results from a C to A substitution at nucleotide position 2486. The serine at codon 829 is replaced by tyrosine, an amino acid with dissimilar properties. This amino acid position is conserved. In addition, this alteration is predicted to be deleterious by in silico analysis. Based on the available evidence, the clinical significance of this variant remains unclear.

Labcorp Genetics (formerly Invitae), Labcorp
Classification: Uncertain significance for Hereditary diffuse gastric adenocarcinoma. Last evaluated: 2024-01-03. Review status: criteria provided, single submitter. Criteria: Invitae Variant Classification Sherloc (09022015). Collection method: clinical testing. Allele origin: germline.
Comment: This sequence change replaces serine, which is neutral and polar, with tyrosine, which is neutral and polar, at codon 829 of the CDH1 protein (p.Ser829Tyr). This variant is not present in population databases (gnomAD no frequency). This variant has not been reported in the literature in individuals affected with CDH1-related conditions. ClinVar contains an entry for this variant (Variation ID: 219925). An algorithm developed to predict the effect of missense changes on protein structure and function (PolyPhen-2) suggests that this variant is likely to be disruptive. In summary, the available evidence is currently insufficient to determine the role of this variant in disease. Therefore, it has been classified as a Variant of Uncertain Significance.